The following is an entry in ClinVar:

ClinVar aggregate classification (germline): Uncertain significance (1 of 4 stars; one submission).

Conditions:
Familial acute necrotizing encephalopathy (IIAE3). Also called: ENCEPHALOPATHY, ACUTE, INFECTION-INDUCED, SUSCEPTIBILITY TO, 3; Susceptibility to Acute Necrotizing Encephalopathy 1. Identifiers: Orphanet 88619, MedGen C2675556, MONDO:0011953, OMIM 608033.

Submission:

Labcorp Genetics (formerly Invitae), Labcorp
Classification: Uncertain significance for Familial acute necrotizing encephalopathy. Last evaluated: 2022-08-09. Review status: criteria provided, single submitter. Criteria: Invitae Variant Classification Sherloc (09022015). Collection method: clinical testing. Allele origin: germline.
Comment: In summary, the available evidence is currently insufficient to determine the role of this variant in disease. Therefore, it has been classified as a Variant of Uncertain Significance. Algorithms developed to predict the effect of missense changes on protein structure and function output the following: SIFT: "Tolerated"; PolyPhen-2: "Benign"; Align-GVGD: "Class C0". The serine amino acid residue is found in multiple mammalian species, which suggests that this missense change does not adversely affect protein function. ClinVar contains an entry for this variant (Variation ID: 1040390). This variant has not been reported in the literature in individuals affected with RANBP2-related conditions. The frequency data for this variant in the population databases is considered unreliable, as metrics indicate poor data quality at this position in the gnomAD database. This sequence change replaces glycine, which is neutral and non-polar, with serine, which is neutral and polar, at codon 1692 of the RANBP2 protein (p.Gly1692Ser).

NM_006267.5(RANBP2):c.5074G>A (p.Gly1692Ser)

Gene: RANBP2 (RAN binding protein 2; plus strand). Cytogenetic location: 2q13.
Variant type: single nucleotide variant.
Coding change: c.5074G>A on transcript NM_006267.5 (MANE Select); coding-DNA position 5074, G replaced by A.
Protein change: p.Gly1692Ser; replaces glycine 1692 with serine.
Molecular consequence: missense variant.
Genome position (GRCh38, 1-based): chr2:108,765,613, G>A. VCF-style: chr2-108765613-G-A. GRCh37 (hg19) VCF-style: chr2-109382069-G-A.
Other names: short protein forms G1692S.
Identifiers: ClinVar variation 1040390 (VCV001040390.9), dbSNP rs1409760237, ClinGen allele CA348070068.
Genomic context (GRCh38, chr2:108,765,613, plus strand): 5'-AGTGTGTGCTTAGTAAGAAATGAAGCCAGTGCTACCAAATGTATTGCTTGTCAGAATCCA[G>A]GTAAACAAAATCAAACTACTTCTGCAGTTTCAACACCTGCCTCTTCAGAGACAAGCAAGG-3'
Protein context (NP_006258.3, residues 1682-1702): ATKCIACQNP[Gly1692Ser]KQNQTTSAVS